The following is an entry in ClinVar:

NM_000460.4(THPO):c.796C>T (p.Arg266Cys)

Gene: THPO (thrombopoietin; minus strand). Cytogenetic location: 3q27.1.
Variant type: single nucleotide variant.
Coding change: c.796C>T on transcript NM_000460.4 (MANE Select); coding-DNA position 796, C replaced by T.
Protein change: p.Arg266Cys; replaces arginine 266 with cysteine.
Molecular consequence: missense variant.
Genome position (GRCh38, 1-based): chr3:184,372,779, G>A on the plus strand (C>T on the coding strand, the complement: THPO is on the minus strand). VCF-style: chr3-184372779-G-A. GRCh37 (hg19) VCF-style: chr3-184090567-G-A.
Other names: p.Arg266Cys; c.784C>T, p.Arg262Cys (NM_001177597.2, NM_001290022.1); c.779C>T, p.Thr260Met (NM_001177598.2, NM_001290026.1); c.680C>T, p.Thr227Met (NM_001289997.1, NM_001290027.1); c.796C>T, p.Arg266Cys (NM_001289998.1, NM_001290028.1); c.1216C>T, p.Arg406Cys (NM_001290003.1); short protein forms R266C, R262C, R406C, T227M, T260M.
Identifiers: ClinVar variation 903384 (VCV000903384.42), dbSNP rs186070598, ClinGen allele CA2734869.

ClinVar aggregate classification (germline): Uncertain significance. Review status: criteria provided, multiple submitters, no conflicts (2 of 4 stars). 5 submissions from 5 submitters: Uncertain significance (5). Last evaluated 2025-11-13.

Conditions:
Inborn genetic diseases. Identifiers: MedGen C0950123, MeSH D030342.
Thrombocythemia 1 (THCYT1). Also called: THROMBOCYTOSIS 1; THROMBOCYTHEMIA, SOMATIC. Identifiers: MedGen C3277671, MONDO:0008554, OMIM 187950.

Allele frequency attached by ClinVar (database versions not stated): gnomAD exomes 0.00001; ExAC 0.00002; 1000 Genomes Project 30x 0.00016; 1000 Genomes Project 0.00020.
gnomAD v4.1: 10 of 1,614,070 alleles (0.00062%); highest among the groups gnomAD compares: Middle Eastern, 0.016%; no homozygotes.

Submissions (5):

Ambry Genetics
Classification: Uncertain significance for Inborn genetic diseases. Last evaluated: 2025-11-13. Review status: criteria provided, single submitter. Criteria: Ambry Variant Classification Scheme 2023. Collection method: clinical testing. Allele origin: germline.

Mayo Clinic Laboratories, Mayo Clinic
Classification: Uncertain significance. Last evaluated: 2024-12-16. Review status: criteria provided, single submitter. Criteria: ACMG Guidelines, 2015. Collection method: clinical testing. Allele origin: germline. Observed: 1 variant allele.
Comment: BP4_moderate, PM1_supporting

Labcorp Genetics (formerly Invitae), Labcorp
Classification: Uncertain significance. Last evaluated: 2022-11-08. Review status: criteria provided, single submitter. Criteria: Invitae Variant Classification Sherloc (09022015). Collection method: clinical testing. Allele origin: germline.
Comment: This variant has not been reported in the literature in individuals affected with THPO-related conditions. In summary, the available evidence is currently insufficient to determine the role of this variant in disease. Therefore, it has been classified as a Variant of Uncertain Significance. Advanced modeling of protein sequence and biophysical properties (such as structural, functional, and spatial information, amino acid conservation, physicochemical variation, residue mobility, and thermodynamic stability) performed at Invitae indicates that this missense variant is not expected to disrupt THPO protein function. ClinVar contains an entry for this variant (Variation ID: 903384). This variant is present in population databases (rs186070598, gnomAD 0.003%). This sequence change replaces arginine, which is basic and polar, with cysteine, which is neutral and slightly polar, at codon 266 of the THPO protein (p.Arg266Cys).

CeGaT Center for Human Genetics Tuebingen
Classification: Uncertain significance. Last evaluated: 2022-02-01. Review status: criteria provided, single submitter. Criteria: CeGaT Center For Human Genetics Tuebingen Variant Classification Criteria Version 2. Collection method: clinical testing. Allele origin: germline. Affected: yes. Observed: 2 variant alleles.

Illumina Laboratory Services, Illumina
Classification: Uncertain significance for Thrombocythemia 1. Last evaluated: 2018-01-13. Review status: criteria provided, single submitter. Criteria: ICSL Variant Classification Criteria 13 December 2019. Collection method: clinical testing. Allele origin: germline.